The following is an entry in ClinVar:

NM_003743.5(NCOA1):c.1485T>C (p.Ser495=)

Gene: NCOA1 (nuclear receptor coactivator 1; plus strand). Cytogenetic location: 2p23.3.
Variant type: single nucleotide variant.
Coding change: c.1485T>C on transcript NM_003743.5 (MANE Select); coding-DNA position 1485, T replaced by C.
Protein change: p.Ser495=; no amino-acid change (serine 495 retained).
Molecular consequence: synonymous variant.
Genome position (GRCh38, 1-based): chr2:24,706,955, T>C. VCF-style: chr2-24706955-T-C. GRCh37 (hg19) VCF-style: chr2-24929824-T-C.
Other names: c.1485T>C, p.Ser495= (NM_001362950.1, NM_001362952.1, NM_001362954.1 and 3 more transcripts).
Identifiers: ClinVar variation 3357234 (VCV003357234.1).

ClinVar aggregate classification (germline): Likely benign (0 of 4 stars; one submission).

Conditions:
NCOA1-related disorder. Also called: NCOA1-related condition.

gnomAD v4.1: 73 of 1,614,216 alleles (0.0045%); highest among the groups gnomAD compares: Middle Eastern, 0.099%; no homozygotes.

Submission:

PreventionGenetics, part of Exact Sciences
Classification: Likely benign for NCOA1-related condition. Last evaluated: 2021-01-22. Review status: no assertion criteria provided. Collection method: clinical testing. Allele origin: germline.
Comment: This variant is classified as likely benign based on ACMG/AMP sequence variant interpretation guidelines (Richards et al. 2015 PMID: 25741868, with internal and published modifications).